The following is an entry in ClinVar:

NM_001134407.3(GRIN2A):c.*5045T>A

Gene: GRIN2A (glutamate ionotropic receptor NMDA type subunit 2A; minus strand). Cytogenetic location: 16p13.2.
Variant type: single nucleotide variant.
Coding change: c.*5045T>A on transcript NM_001134407.3 (MANE Select); 5045 bases downstream of the stop codon, T replaced by A.
Molecular consequence: 3 prime UTR variant.
Genome position (GRCh38, 1-based): chr16:9,758,104, A>T on the plus strand (T>A on the coding strand, the complement: GRIN2A is on the minus strand). VCF-style: chr16-9758104-A-T. GRCh37 (hg19) VCF-style: chr16-9851961-A-T.
Other names: c.*5045T>A (NM_000833.5); c.*5251T>A (NM_001134408.2).
Identifiers: ClinVar variation 321537 (VCV000321537.5), dbSNP rs148967966, ClinGen allele CA10648474.
Genomic context (GRCh38, chr16:9,758,104, plus strand): 5'-TACTCTCTAACTTGATGATCTTAAACAGGCAACTGCCCATTTGTAAACTTCATTTTTCTC[A>T]TCTCTCCTCCCCTTCTCCTAACTTTTGGTGTGGTTCTACGAACTCTATTTTTCTAAGACC-3'

ClinVar aggregate classification (germline): Benign (1 of 4 stars; one submission).

Conditions:
Landau-Kleffner syndrome (FESD). Also called: EPILEPSY, FOCAL, WITH SPEECH DISORDER AND WITH OR WITHOUT MENTAL RETARDATION; APHASIA, ACQUIRED, WITH EPILEPSY. Identifiers: Orphanet 1945, Orphanet 725, Orphanet 98818, MedGen C0282512, MONDO:0009509, OMIM 245570.

Allele frequency attached by ClinVar (database versions not stated): gnomAD 0.00746 and 0.00790; gnomAD exomes 0.01019; TOPMed 0.00824; 1000 Genomes Project 30x 0.00390; 1000 Genomes Project 0.00359.
gnomAD v4.1: 1,795 of 213,304 alleles (0.84%); highest among the groups gnomAD compares: Middle Eastern, 1.5%; 13 homozygotes.

Submission:

Illumina Laboratory Services, Illumina
Classification: Benign for Landau-Kleffner syndrome. Last evaluated: 2018-01-13. Review status: criteria provided, single submitter. Criteria: ICSL Variant Classification Criteria 13 December 2019. Collection method: clinical testing. Allele origin: germline.
Comment: This variant was observed in the ICSL laboratory as part of a predisposition screen in an ostensibly healthy population. It had not been previously curated by ICSL or reported in the Human Gene Mutation Database (HGMD: prior to June 1st, 2018), and was therefore a candidate for classification through an automated scoring system. Utilizing variant allele frequency, disease prevalence and penetrance estimates, and inheritance mode, an automated score was calculated to assess if this variant is too frequent to cause the disease. Based on the score and internal cut-off values, a variant classified as benign is not then subjected to further curation. The score for this variant resulted in a classification of benign for this disease.